The following is an entry in ClinVar:

NM_018136.5(ASPM):c.5681_5685del (p.Ile1894fs)

Gene: ASPM (assembly factor for spindle microtubules; minus strand). Cytogenetic location: 1q31.3.
Variant type: Deletion.
Coding change: c.5681_5685del on transcript NM_018136.5 (MANE Select); coding-DNA positions 5681 to 5685, 5 bases deleted (TTAGA; older notation c.5681_5685delTTAGA).
Protein change: p.Ile1894fs; shifts the reading frame from isoleucine 1894.
Molecular consequence: frameshift variant. On other transcripts: intron variant (1).
Genome position (GRCh38, 1-based): chr1:197,103,566-197,103,570, TCTAA deleted on the plus strand (TTAGA on the coding strand, the reverse complement: ASPM is on the minus strand); deleting any 5 consecutive bases within chr1:197,103,566-197,103,573 gives the same sequence; the c. name uses the placement nearest the transcript's 3' end. VCF-style (leftmost placement, unchanged base first): chr1-197103565-TTCTAA-T. GRCh37 (hg19) VCF-style: chr1-197072695-TTCTAA-T.
Other names: c.5681_5685delTTAGA (NM_018136.4); c.4066-7406_4066-7402del (NM_001206846.2); short protein forms I1894fs.
Identifiers: ClinVar variation 279957 (VCV000279957.11), dbSNP rs886041282, ClinGen allele CA10602775.

ClinVar aggregate classification (germline): Pathogenic. Review status: criteria provided, multiple submitters, no conflicts (2 of 4 stars). 4 submissions from 4 submitters: Pathogenic (4). Last evaluated 2023-04-11.

Conditions:
Microcephaly 5, primary, autosomal recessive (MCPH5). Also called: ASPM Primary Microcephaly. Identifiers: Orphanet 2512, MedGen C1837501, MONDO:0012106, OMIM 608716.

Submissions (4):

Genome-Nilou Lab
Classification: Pathogenic for Microcephaly 5, primary, autosomal recessive. Last evaluated: 2023-04-11. Review status: criteria provided, single submitter. Criteria: ACMG Guidelines, 2015. Collection method: clinical testing. Allele origin: germline. Affected: no.

Labcorp Genetics (formerly Invitae), Labcorp
Classification: Pathogenic. Last evaluated: 2022-05-15. Review status: criteria provided, single submitter. Criteria: Invitae Variant Classification Sherloc (09022015). Collection method: clinical testing. Allele origin: germline.
Comment: For these reasons, this variant has been classified as Pathogenic. ClinVar contains an entry for this variant (Variation ID: 279957). This variant has not been reported in the literature in individuals affected with ASPM-related conditions. This variant is present in population databases (no rsID available, gnomAD 0.002%). This sequence change creates a premature translational stop signal (p.Ile1894Lysfs*14) in the ASPM gene. It is expected to result in an absent or disrupted protein product. Loss-of-function variants in ASPM are known to be pathogenic (PMID: 19028728, 23611254).

Revvity Omics, Revvity
Classification: Pathogenic for Microcephaly 5, primary, autosomal recessive. Last evaluated: 2019-09-18. Review status: criteria provided, single submitter. Criteria: ACMG Guidelines, 2015. Collection method: clinical testing. Allele origin: germline.

GeneDx
Classification: Pathogenic. Last evaluated: 2016-02-24. Review status: criteria provided, single submitter. Criteria: GeneDx Variant Classification (06012015). Collection method: clinical testing. Allele origin: germline. Affected: yes.
Comment: The c.5681_5685delTTAGA mutation in the ASPM gene has not been reported previously as a disease-causing mutation nor as a benign polymorphism, to our knowledge. The c.5681_5685delTTAGA mutation causes a frameshift starting with codon Isoleucine 1894, changes this amino acid to a Lysine residue, and creates a premature Stop codon at position 14 of the new reading frame, denoted p.Ile1894LysfsX14. This mutation is predicted to cause loss of normal protein function either through protein truncation or nonsense-mediated mRNA decay. The c.5681_5685delTTAGA mutation was not observed in approximately 6500 individuals of European and African American ancestry in the NHLBI Exome Sequencing Project, indicating it is not a common benign variant in these populations. We interpret c.5681_5685delTTAGA as a disease-causing mutation.

Literature cited by the submitters: PubMed 19028728 (cited by Labcorp Genetics (formerly Invitae), Labcorp); PubMed 23611254 (cited by Labcorp Genetics (formerly Invitae), Labcorp).